The following is an entry in ClinVar:

ClinVar aggregate classification (germline): Uncertain significance (1 of 4 stars; one submission).

Conditions:
Hereditary motor and sensory neuropathy, Okinawa type (HMSNO). Also called: HEREDITARY MOTOR AND SENSORY NEUROPATHY, PROXIMAL TYPE. Identifiers: Orphanet 90117, MedGen C1858338, MONDO:0011468, OMIM 604484.
Hereditary spastic paraplegia 57. Also called: Spastic paraplegia 57, autosomal recessive. Identifiers: Orphanet 431329, MedGen C3714897, MONDO:0014295, OMIM 615658.

Submission:

Labcorp Genetics (formerly Invitae), Labcorp
Classification: Uncertain significance for Hereditary motor and sensory neuropathy, Okinawa type; Hereditary spastic paraplegia 57. Last evaluated: 2020-05-20. Review status: criteria provided, single submitter. Criteria: Invitae Variant Classification Sherloc (09022015). Collection method: clinical testing. Allele origin: germline.
Comment: In summary, the available evidence is currently insufficient to determine the role of this variant in disease. Therefore, it has been classified as a Variant of Uncertain Significance. Experimental studies and prediction algorithms are not available or were not evaluated, and the functional significance of this variant is currently unknown. This variant has not been reported in the literature in individuals with TFG-related conditions. This variant results in a copy number gain of the genomic region encompassing exon(s) 7-8 of the TFG gene. The 5' boundary is likely confined to intron 6. The 3' end of this event is unknown as it extends beyond the assayed region for this gene and therefore may encompass additional genes. As the precise location of this event is unknown, it may be in tandem or it may be located elsewhere in the genome.

NC_000003.11:g.(?_100463667)_(100467385_?)dup

Gene: TFG (trafficking from ER to golgi regulator; plus strand). Cytogenetic location: 3q12.2.
Variant type: Duplication.
Identifiers: ClinVar variation 999903 (VCV000999903.5).